The following is an entry in ClinVar:

ClinVar aggregate classification (germline): Uncertain significance (1 of 4 stars; one submission).

Conditions:
Charcot-Marie-Tooth disease axonal type 2P. Also called: Charcot-Marie-Tooth Neuropathy Type 2G; CHARCOT-MARIE-TOOTH NEUROPATHY, TYPE 2P; CHARCOT-MARIE-TOOTH DISEASE, AXONAL, TYPE 2G; CMT 2G. Identifiers: Orphanet 300319, Orphanet 99941, MedGen C3280797, MONDO:0013753, OMIM 614436.

Submission:

Labcorp Genetics (formerly Invitae), Labcorp
Classification: Uncertain significance for Charcot-Marie-Tooth disease axonal type 2P. Last evaluated: 2022-09-19. Review status: criteria provided, single submitter. Criteria: Invitae Variant Classification Sherloc (09022015). Collection method: clinical testing. Allele origin: germline.
Comment: This sequence change replaces leucine, which is neutral and non-polar, with phenylalanine, which is neutral and non-polar, at codon 623 of the LRSAM1 protein (p.Leu623Phe). In summary, the available evidence is currently insufficient to determine the role of this variant in disease. Therefore, it has been classified as a Variant of Uncertain Significance. Advanced modeling of protein sequence and biophysical properties (such as structural, functional, and spatial information, amino acid conservation, physicochemical variation, residue mobility, and thermodynamic stability) performed at Invitae indicates that this missense variant is expected to disrupt LRSAM1 protein function. This variant has not been reported in the literature in individuals affected with LRSAM1-related conditions. This variant is not present in population databases (gnomAD no frequency).

NM_001005373.4(LRSAM1):c.1867C>T (p.Leu623Phe)

Gene: LRSAM1 (leucine rich repeat and sterile alpha motif containing 1; plus strand). Cytogenetic location: 9q33.3.
Variant type: single nucleotide variant.
Coding change: c.1867C>T on transcript NM_001005373.4 (MANE Select); coding-DNA position 1867, C replaced by T.
Protein change: p.Leu623Phe; replaces leucine 623 with phenylalanine.
Molecular consequence: missense variant. On other transcripts: non-coding transcript variant (2).
Genome position (GRCh38, 1-based): chr9:127,497,289, C>T. VCF-style: chr9-127497289-C-T. GRCh37 (hg19) VCF-style: chr9-130259568-C-T.
Other names: c.1867C>T, p.Leu623Phe (NM_001005374.4, NM_001384142.1, NM_138361.5); c.1786C>T, p.Leu596Phe (NM_001190723.3); c.1768C>T, p.Leu590Phe (NM_001384143.1); c.1078C>T, p.Leu360Phe (NM_001384144.1); short protein forms L590F, L596F, L623F, L360F.
Identifiers: ClinVar variation 2173489 (VCV002173489.4), dbSNP rs2539450882, ClinGen allele CA374936520.